The following is an entry in ClinVar:

NM_000051.4(ATM):c.7388dup (p.Leu2463fs)

Genes: ATM (ATM serine/threonine kinase; plus strand), C11orf65 (chromosome 11 open reading frame 65; minus strand). Cytogenetic location: 11q22.3.
Variant type: Duplication.
Coding change: c.7388dup on transcript NM_000051.4 (MANE Select); coding-DNA position 7388, one base duplicated (T; older notation c.7388dupT).
Protein change: p.Leu2463fs; shifts the reading frame from leucine 2463.
Molecular consequence: frameshift variant. On other transcripts: intron variant (2).
Genome position (GRCh38, 1-based): chr11:108,330,294, T duplicated; the last of 2 consecutive T bases (chr11:108,330,293-108,330,294); duplicating either gives the same sequence. VCF-style (leftmost placement, unchanged base first): chr11-108330292-C-CT. GRCh37 (hg19) VCF-style: chr11-108201019-C-CT.
Other names: c.7388dupT (NM_000051.3); c.7388dup, p.Leu2463fs (NM_001351834.2); c.641-21222dup (NM_001330368.2); c.*38+4927dup (NM_001351110.2); short protein forms L2463fs.
Identifiers: ClinVar variation 3802602 (VCV003802602.1).

ClinVar aggregate classification (germline): Pathogenic (1 of 4 stars; one submission).

Conditions:
Hereditary cancer-predisposing syndrome. Also called: Neoplastic Syndromes, Hereditary; Tumor predisposition; Hereditary Cancer Syndrome; Hereditary neoplastic syndrome. Identifiers: Orphanet 140162, MedGen C0027672, MeSH D009386, MONDO:0015356.

Submission:

Ambry Genetics
Classification: Pathogenic for Hereditary cancer-predisposing syndrome. Last evaluated: 2025-02-14. Review status: criteria provided, single submitter. Criteria: Ambry Variant Classification Scheme 2023. Collection method: clinical testing. Allele origin: germline.
Comment: The c.7388dupT pathogenic mutation, located in coding exon 49 of the ATM gene, results from a duplication of T at nucleotide position 7388, causing a translational frameshift with a predicted alternate stop codon (p.L2463Ffs*3). This variant is considered to be rare based on population cohorts in the Genome Aggregation Database (gnomAD). This alteration is expected to result in loss of function by premature protein truncation or nonsense-mediated mRNA decay. As such, this alteration is interpreted as a disease-causing mutation.